The following is an entry in ClinVar:

ClinVar aggregate classification (germline): Uncertain significance. Review status: criteria provided, multiple submitters, no conflicts (2 of 4 stars). 3 submissions from 3 submitters: Uncertain significance (2). 1 of the submissions does not count toward it. Last evaluated 2018-07-12.

Conditions:
MYH9-related disorder. Identifiers: MedGen C1854520.

Submissions (3):

Genetic Services Laboratory, University of Chicago
Classification: Uncertain significance. Last evaluated: 2018-07-12. Review status: criteria provided, single submitter. Criteria: ACMG Guidelines, 2015. Collection method: clinical testing. Allele origin: germline. Affected: no.

GeneDx
Classification: Uncertain significance. Last evaluated: 2017-02-14. Review status: criteria provided, single submitter. Criteria: GeneDx Variant Classification (06012015). Collection method: clinical testing. Allele origin: germline. Affected: yes.
Comment: The V1560G variant in the MYH9 gene has been reported previously in association with MYH9-related disorders (Saposnik et al., 2014; Zetterberg et al., 2016). The V1560G variant is not observed in large population cohorts (Lek et al., 2016; 1000 Genomes Consortium et al., 2015; Exome Variant Server). The V1560G variant is a conservative amino acid substitution, which is not likely to impact secondary protein structure as these residues share similar properties. This substitution occurs at a position that is conserved across species. In silico analysis predicts this variant is probably damaging to the protein structure/function. We interpret V1560G as a variant of uncertain significance.

PreventionGenetics, part of Exact Sciences
Classification: Uncertain significance for MYH9-related condition. Last evaluated: 2024-06-10. Review status: no assertion criteria provided. Collection method: clinical testing. Allele origin: germline. Not counted in ClinVar's aggregate classification.
Comment: The MYH9 c.4679T>G variant is predicted to result in the amino acid substitution p.Val1560Gly. This variant has been reported in individuals with MYH9-related disease (Saposnik et al. 2014. PubMed ID: 25077172; Zetterberg et al. 2015. PubMed ID: 26247237; DOI 10.1093/ndt/gfy104.SP003). This variant has not been reported in a large population database, indicating this variant is rare. At this time, the clinical significance of this variant is uncertain due to the absence of conclusive functional and genetic evidence.

NM_002473.6(MYH9):c.4679T>G (p.Val1560Gly)

Gene: MYH9 (myosin heavy chain 9; minus strand). Cytogenetic location: 22q12.3.
Variant type: single nucleotide variant.
Coding change: c.4679T>G on transcript NM_002473.6 (MANE Select); coding-DNA position 4679, T replaced by G.
Protein change: p.Val1560Gly; replaces valine 1560 with glycine.
Molecular consequence: missense variant.
Genome position (GRCh38, 1-based): chr22:36,288,818, A>C on the plus strand (T>G on the coding strand, the complement: MYH9 is on the minus strand). VCF-style: chr22-36288818-A-C. GRCh37 (hg19) VCF-style: chr22-36684864-A-C.
Other names: short protein forms V1560G.
Identifiers: ClinVar variation 420169 (VCV000420169.7), dbSNP rs1064794326, ClinGen allele CA16621118.
Genomic context (GRCh38, chr22:36,288,818, plus strand): 5'-CTCTGCTCGTCCCGGCCCTGCAGGTCCCGCTCGAACTGGGCCTTCATGGCCTGCAGGTTG[A>C]CCTCCAACCGCAGCTTGGCATCTTCGGTGGCCTGCAGCTCGTCCTCCAGCTCTTCCAGCT-3'
Protein context (NP_002464.1, residues 1550-1570): ATEDAKLRLE[Val1560Gly]NLQAMKAQFE